The following is an entry in ClinVar:

NM_001330701.2(AGTPBP1):c.1705A>G (p.Lys569Glu)

Gene: AGTPBP1 (ATP/GTP binding carboxypeptidase 1; minus strand). Cytogenetic location: 9q21.33.
Variant type: single nucleotide variant.
Coding change: c.1705A>G on transcript NM_001330701.2 (MANE Select); coding-DNA position 1705, A replaced by G.
Protein change: p.Lys569Glu; replaces lysine 569 with glutamic acid.
Molecular consequence: missense variant.
Genome position (GRCh38, 1-based): chr9:85,632,972, T>C on the plus strand (A>G on the coding strand, the complement: AGTPBP1 is on the minus strand). VCF-style: chr9-85632972-T-C. GRCh37 (hg19) VCF-style: chr9-88247887-T-C.
Other names: c.1861A>G, p.Lys621Glu (NM_001286715.1); c.1741A>G, p.Lys581Glu (NM_001286717.1); c.1585A>G, p.Lys529Glu (NM_015239.3); short protein forms K529E, K569E, K581E, K621E.
Identifiers: ClinVar variation 3365771 (VCV003365771.1).

ClinVar aggregate classification (germline): Uncertain significance (1 of 4 stars; one submission).

gnomAD v4.1: 6 of 1,614,186 alleles (0.00037%); highest among the groups gnomAD compares: African/African-American, 0.0013%; no homozygotes.

Submission:

GeneDx
Classification: Uncertain significance. Last evaluated: 2023-12-20. Review status: criteria provided, single submitter. Criteria: GeneDx Variant Classification Process June 2021. Collection method: clinical testing. Allele origin: germline. Affected: yes.
Comment: Has not been previously published as pathogenic or benign to our knowledge; Not observed at significant frequency in large population cohorts (gnomAD); In silico analysis supports that this missense variant does not alter protein structure/function